The following is an entry in ClinVar:

NM_000256.3(MYBPC3):c.3187G>A (p.Val1063Ile)

Gene: MYBPC3 (myosin binding protein C3; minus strand). Cytogenetic location: 11p11.2.
Variant type: single nucleotide variant.
Coding change: c.3187G>A on transcript NM_000256.3 (MANE Select); coding-DNA position 3187, G replaced by A.
Protein change: p.Val1063Ile; replaces valine 1063 with isoleucine.
Molecular consequence: missense variant.
Genome position (GRCh38, 1-based): chr11:47,333,560, C>T on the plus strand (G>A on the coding strand, the complement: MYBPC3 is on the minus strand). VCF-style: chr11-47333560-C-T. GRCh37 (hg19) VCF-style: chr11-47355111-C-T.
Other names: short protein forms V1063I.
Identifiers: ClinVar variation 4756600 (VCV004756600.2).

ClinVar aggregate classification (germline): Uncertain significance. Review status: criteria provided, multiple submitters, no conflicts (2 of 4 stars). 2 submissions from 2 submitters: Uncertain significance (2). Last evaluated 2026-07-07.

Conditions:
Cardiomyopathy (CMYO). Also called: Cardiomyopathies. Identifiers: Orphanet 167848, MedGen C0878544, MONDO:0004994, HP:0001638. Inheritance: Various modes of inheritance.
Cardiovascular phenotype. Identifiers: MedGen CN230736.

Submissions (2):

Ambry Genetics
Classification: Uncertain significance for Cardiovascular phenotype. Last evaluated: 2026-07-07. Review status: criteria provided, single submitter. Criteria: Ambry Variant Classification Scheme 2023. Collection method: clinical testing. Allele origin: germline.
Comment: The p.V1063I variant (also known as c.3187G>A), located in coding exon 29 of the MYBPC3 gene, results from a G to A substitution at nucleotide position 3187. The valine at codon 1063 is replaced by isoleucine, an amino acid with highly similar properties. This amino acid position is conserved. In addition, this alteration is predicted to be tolerated by in silico analysis. Based on the available evidence, the clinical significance of this variant remains unclear.

Color Diagnostics, LLC DBA Color Health
Classification: Uncertain significance for Cardiomyopathy. Last evaluated: 2025-04-19. Review status: criteria provided, single submitter. Criteria: ACMG Guidelines, 2015. Collection method: clinical testing. Allele origin: germline.
Comment: This missense variant replaces valine with isoleucine at codon 1063 of the MYBPC3 protein. Computational prediction suggests that this variant may not impact protein structure and function. To our knowledge, functional studies have not been reported for this variant. This variant has not been reported in individuals affected with MYBPC3-related disorders in the literature. This variant has not been identified in the general population by the Genome Aggregation Database (gnomAD). The available evidence is insufficient to determine the role of this variant in disease conclusively. Therefore, this variant is classified as a Variant of Uncertain Significance.